The following is an entry in ClinVar:

ClinVar aggregate classification (germline): Uncertain significance (1 of 4 stars; one submission).

Allele frequency attached by ClinVar (database versions not stated): TOPMed 0.00001; ExAC 0.00002; gnomAD exomes 0.00003; gnomAD 0.00005.

Submission:

Labcorp Genetics (formerly Invitae), Labcorp
Classification: Uncertain significance. Last evaluated: 2022-07-31. Review status: criteria provided, single submitter. Criteria: Invitae Variant Classification Sherloc (09022015). Collection method: clinical testing. Allele origin: germline.
Comment: This sequence change replaces methionine, which is neutral and non-polar, with isoleucine, which is neutral and non-polar, at codon 430 of the EEF2 protein (p.Met430Ile). This variant is present in population databases (rs772435234, gnomAD 0.07%), and has an allele count higher than expected for a pathogenic variant. This variant has not been reported in the literature in individuals affected with EEF2-related conditions. Algorithms developed to predict the effect of missense changes on protein structure and function (SIFT, PolyPhen-2, Align-GVGD) all suggest that this variant is likely to be tolerated. In summary, the available evidence is currently insufficient to determine the role of this variant in disease. Therefore, it has been classified as a Variant of Uncertain Significance.

NM_001961.4(EEF2):c.1290G>A (p.Met430Ile)

Gene: EEF2 (eukaryotic translation elongation factor 2; minus strand). Cytogenetic location: 19p13.3.
Variant type: single nucleotide variant.
Coding change: c.1290G>A on transcript NM_001961.4 (MANE Select); coding-DNA position 1290, G replaced by A.
Protein change: p.Met430Ile; replaces methionine 430 with isoleucine.
Molecular consequence: missense variant.
Genome position (GRCh38, 1-based): chr19:3,980,570, C>T on the plus strand (G>A on the coding strand, the complement: EEF2 is on the minus strand). VCF-style: chr19-3980570-C-T. GRCh37 (hg19) VCF-style: chr19-3980568-C-T.
Other names: short protein forms M430I.
Identifiers: ClinVar variation 1903719 (VCV001903719.5), dbSNP rs772435234, ClinGen allele CA9088948.